The following is an entry in ClinVar:

NM_007194.4(CHEK2):c.106C>T (p.Gln36Ter)

Gene: CHEK2 (checkpoint kinase 2; minus strand). Cytogenetic location: 22q12.1.
Variant type: single nucleotide variant.
Coding change: c.106C>T on transcript NM_007194.4 (MANE Select); coding-DNA position 106, C replaced by T.
Protein change: p.Gln36Ter; replaces glutamine 36 with a stop codon.
Molecular consequence: nonsense.
Genome position (GRCh38, 1-based): chr22:28,734,616, G>A on the plus strand (C>T on the coding strand, the complement: CHEK2 is on the minus strand). VCF-style: chr22-28734616-G-A. GRCh37 (hg19) VCF-style: chr22-29130604-G-A.
Other names: c.106C>T, p.Gln36Ter (NM_001005735.3, NM_001349956.3, NM_145862.3); c.-672C>T (NM_001257387.3); short protein forms Q36*.
Identifiers: ClinVar variation 1071215 (VCV001071215.14), dbSNP rs2146151890, ClinGen allele CA411091440.
Genomic context (GRCh38, chr22:28,734,616, plus strand): 5'-TGGAGTGAGAGGACTGGCTGGAGTTTGGCATCGTGCTGGTAGAGGAGCTGGATATGCCCT[G>A]GGACTGTGAGGAGGAGCCTTGGGACTGGGTAACGCTGCCATGGGGCTGTGAACAGGCACT-3'

ClinVar aggregate classification (germline): Pathogenic/Likely pathogenic. Review status: criteria provided, multiple submitters, no conflicts (2 of 4 stars). 5 submissions from 5 submitters: Pathogenic (4); Likely pathogenic (1). Last evaluated 2023-06-22.

Conditions:
Breast and/or ovarian cancer. Identifiers: MedGen CN221562.
Hereditary cancer-predisposing syndrome. Also called: Tumor predisposition; Hereditary neoplastic syndrome; Neoplastic Syndromes, Hereditary; Hereditary Cancer Syndrome. Identifiers: Orphanet 140162, MedGen C0027672, MeSH D009386, MONDO:0015356.
Familial cancer of breast. Also called: Hereditary breast cancer; hereditary breast carcinoma; BREAST CANCER, FAMILIAL. Identifiers: Orphanet 227535, MedGen C0346153, MONDO:0016419, OMIM 114480. Disease mechanism: loss of function.

Allele frequency attached by ClinVar (database versions not stated): gnomAD exomes below 0.00001.
gnomAD v4.1: 1 of 1,613,944 alleles (0.000062%); highest among the groups gnomAD compares: Non-Finnish European, 0.000085%; no homozygotes.

Submissions (5):

Myriad Genetics, Inc.
Classification: Pathogenic for Familial cancer of breast. Last evaluated: 2023-06-22. Review status: criteria provided, single submitter. Criteria: Myriad Autosomal Dominant, Autosomal Recessive and X-Linked Classification Criteria (2023). Collection method: clinical testing. Allele origin: unknown.
Comment: This variant is considered pathogenic. This variant creates a termination codon and is predicted to result in premature protein truncation.

Labcorp Genetics (formerly Invitae), Labcorp
Classification: Pathogenic for Familial cancer of breast. Last evaluated: 2022-08-18. Review status: criteria provided, single submitter. Criteria: Invitae Variant Classification Sherloc (09022015). Collection method: clinical testing. Allele origin: germline.
Comment: ClinVar contains an entry for this variant (Variation ID: 1071215). For these reasons, this variant has been classified as Pathogenic. This variant has not been reported in the literature in individuals affected with CHEK2-related conditions. This variant is not present in population databases (gnomAD no frequency). This sequence change creates a premature translational stop signal (p.Gln36*) in the CHEK2 gene. It is expected to result in an absent or disrupted protein product. Loss-of-function variants in CHEK2 are known to be pathogenic (PMID: 21876083, 24713400).

Ambry Genetics
Classification: Pathogenic for Hereditary cancer-predisposing syndrome. Last evaluated: 2021-07-16. Review status: criteria provided, single submitter. Criteria: Ambry Variant Classification Scheme 2023. Collection method: clinical testing. Allele origin: germline.
Comment: The p.Q36* pathogenic mutation (also known as c.106C>T), located in coding exon 1 of the CHEK2 gene, results from a C to T substitution at nucleotide position 106. This changes the amino acid from a glutamine to a stop codon within coding exon 1. This variant was reported in 0/60,466 breast cancer cases and in 1/53,461 controls (Dorling et al. N Engl J Med. 2021 02;384:428-439). This variant is considered to be rare based on population cohorts in the Genome Aggregation Database (gnomAD). In addition to the clinical data presented in the literature, this alteration is expected to result in loss of function by premature protein truncation or nonsense-mediated mRNA decay. As such, this alteration is interpreted as a disease-causing mutation.

Quest Diagnostics Nichols Institute San Juan Capistrano
Classification: Pathogenic. Last evaluated: 2021-06-25. Review status: criteria provided, single submitter. Criteria: Quest Diagnostics criteria. Collection method: clinical testing. Allele origin: unknown.
Comment: This nonsense variant causes the premature termination of CHEK2 protein synthesis, and is described in an online database as being pathogenic (ClinVar). In addition, it has been reported in an individual with colorectal cancer in the published literature. Based on the available information, this variant is classified as pathogenic.

CHEO Genetics Diagnostic Laboratory, Children's Hospital of Eastern Ontario
Classification: Likely pathogenic for Breast and/or ovarian cancer. Last evaluated: 2021-05-18. Review status: criteria provided, single submitter. Criteria: ACMG Guidelines, 2015. Collection method: clinical testing. Allele origin: germline.

Literature cited by the submitters: PubMed 21876083 (cited by Labcorp Genetics (formerly Invitae), Labcorp); PubMed 24713400 (cited by Labcorp Genetics (formerly Invitae), Labcorp); PubMed 33471991 (cited by Ambry Genetics).